The following is an entry in ClinVar:

ClinVar aggregate classification (germline): Uncertain significance. Review status: criteria provided, multiple submitters, no conflicts (2 of 4 stars). 2 submissions from 2 submitters: Uncertain significance (2). Last evaluated 2024-09-19.

Allele frequency attached by ClinVar (database versions not stated): ExAC 0.00003; gnomAD exomes 0.00008; gnomAD 0.00015 and 0.00016; TOPMed 0.00015; ESP Exome Variant Server 0.00023.
gnomAD v4.1: 298 of 1,612,124 alleles (0.018%); highest among the groups gnomAD compares: Non-Finnish European, 0.023%; no homozygotes.

Submissions (2):

Blueprint Genetics
Classification: Uncertain significance. Last evaluated: 2024-09-19. Review status: criteria provided, single submitter. Criteria: ACMG Guidelines, 2015. Collection method: clinical testing. Allele origin: germline.

Labcorp Genetics (formerly Invitae), Labcorp
Classification: Uncertain significance. Last evaluated: 2023-05-15. Review status: criteria provided, single submitter. Criteria: Invitae Variant Classification Sherloc (09022015). Collection method: clinical testing. Allele origin: germline.
Comment: In summary, the available evidence is currently insufficient to determine the role of this variant in disease. Therefore, it has been classified as a Variant of Uncertain Significance. An algorithm developed to predict the effect of missense changes on protein structure and function (PolyPhen-2) suggests that this variant¬† is likely to be tolerated. ClinVar contains an entry for this variant (Variation ID: 1398817). This variant has not been reported in the literature in individuals affected with C1QC-related conditions. This variant is present in population databases (rs140114929, gnomAD 0.02%). This sequence change replaces proline, which is neutral and non-polar, with serine, which is neutral and polar, at codon 78 of the C1QC protein (p.Pro78Ser).

NM_172369.5(C1QC):c.232C>T (p.Pro78Ser)

Gene: C1QC (complement C1q C chain; plus strand). Cytogenetic location: 1p36.12.
Variant type: single nucleotide variant.
Coding change: c.232C>T on transcript NM_172369.5 (MANE Select); coding-DNA position 232, C replaced by T.
Protein change: p.Pro78Ser; replaces proline 78 with serine.
Molecular consequence: missense variant. On other transcripts: 5 prime UTR variant (1).
Genome position (GRCh38, 1-based): chr1:22,647,277, C>T. VCF-style: chr1-22647277-C-T. GRCh37 (hg19) VCF-style: chr1-22973770-C-T.
Other names: c.232C>T, p.Pro78Ser (NM_001114101.3, NM_001347619.2); c.-36C>T (NM_001347620.2); short protein forms P78S.
Identifiers: ClinVar variation 1398817 (VCV001398817.7), dbSNP rs140114929, ClinGen allele CA677936.